The following is an entry in ClinVar:

NM_213599.3(ANO5):c.2527G>C (p.Val843Leu)

Gene: ANO5 (anoctamin 5; plus strand). Cytogenetic location: 11p14.3.
Variant type: single nucleotide variant.
Coding change: c.2527G>C on transcript NM_213599.3 (MANE Select); coding-DNA position 2527, G replaced by C.
Protein change: p.Val843Leu; replaces valine 843 with leucine.
Molecular consequence: missense variant.
Genome position (GRCh38, 1-based): chr11:22,279,550, G>C. VCF-style: chr11-22279550-G-C. GRCh37 (hg19) VCF-style: chr11-22301096-G-C.
Other names: c.2524G>C, p.Val842Leu (NM_001142649.2); c.2485G>C, p.Val829Leu (NM_001410963.1); c.2482G>C, p.Val828Leu (NM_001410964.1); short protein forms V828L, V829L, V842L, V843L.
Identifiers: ClinVar variation 3758648 (VCV003758648.2).

ClinVar aggregate classification (germline): Uncertain significance (1 of 4 stars; one submission).

Conditions:
Gnathodiaphyseal dysplasia (GDD). Also called: GNATHODIAPHYSEAL SCLEROSIS; OSTEOGENESIS IMPERFECTA WITH UNUSUAL SKELETAL LESIONS. Identifiers: Orphanet 53697, MedGen C1833736, MONDO:0008151, OMIM 166260.
Autosomal recessive limb-girdle muscular dystrophy type 2L (LGMDR12). Also called: Limb-girdle muscular dystrophy, type 2L; MUSCULAR DYSTROPHY, LIMB-GIRDLE, AUTOSOMAL RECESSIVE 12; Limb-Girdle Muscular Dystrophy R12 Anoctamin-5-Related (LGMD-R12). Identifiers: Orphanet 206549, MedGen C1969785, MONDO:0012652, OMIM 611307.

Submission:

Labcorp Genetics (formerly Invitae), Labcorp
Classification: Uncertain significance for Autosomal recessive limb-girdle muscular dystrophy type 2L; Gnathodiaphyseal dysplasia. Last evaluated: 2024-11-27. Review status: criteria provided, single submitter. Criteria: Invitae Variant Classification Sherloc (09022015). Collection method: clinical testing. Allele origin: germline.
Comment: This sequence change replaces valine, which is neutral and non-polar, with leucine, which is neutral and non-polar, at codon 843 of the ANO5 protein (p.Val843Leu). This variant is not present in population databases (gnomAD no frequency). This variant has not been reported in the literature in individuals affected with ANO5-related conditions. Invitae Evidence Modeling of protein sequence and biophysical properties (such as structural, functional, and spatial information, amino acid conservation, physicochemical variation, residue mobility, and thermodynamic stability) indicates that this missense variant is expected to disrupt ANO5 protein function with a positive predictive value of 95%. In summary, the available evidence is currently insufficient to determine the role of this variant in disease. Therefore, it has been classified as a Variant of Uncertain Significance.